The following is an entry in ClinVar:

ClinVar aggregate classification (germline): Uncertain significance (1 of 4 stars; one submission).

Allele frequency attached by ClinVar (database versions not stated): gnomAD exomes below 0.00001; ExAC 0.00001.
gnomAD v4.1: 1 of 1,613,250 alleles (0.000062%); highest among the groups gnomAD compares: Admixed American, 0.0017%; no homozygotes.

Submission:

Labcorp Genetics (formerly Invitae), Labcorp
Classification: Uncertain significance. Last evaluated: 2022-08-13. Review status: criteria provided, single submitter. Criteria: Invitae Variant Classification Sherloc (09022015). Collection method: clinical testing. Allele origin: germline.
Comment: This variant has not been reported in the literature in individuals affected with HMCN1-related conditions. This variant is present in population databases (rs780352382, gnomAD 0.003%). This sequence change falls in intron 38 of the HMCN1 gene. It does not directly change the encoded amino acid sequence of the HMCN1 protein. Algorithms developed to predict the effect of sequence changes on RNA splicing suggest that this variant may disrupt the consensus splice site. In summary, the available evidence is currently insufficient to determine the role of this variant in disease. Therefore, it has been classified as a Variant of Uncertain Significance.

NM_031935.3(HMCN1):c.6029-8T>A

Gene: HMCN1 (hemicentin 1; plus strand). Cytogenetic location: 1q31.1.
Variant type: single nucleotide variant.
Coding change: c.6029-8T>A on transcript NM_031935.3 (MANE Select); 8 bases into the intron before coding-DNA position 6029, T replaced by A.
Molecular consequence: intron variant.
Genome position (GRCh38, 1-based): chr1:186,039,720, T>A. VCF-style: chr1-186039720-T-A. GRCh37 (hg19) VCF-style: chr1-186008852-T-A.
Identifiers: ClinVar variation 2024051 (VCV002024051.4), dbSNP rs780352382, ClinGen allele CA1292448.